The following is an entry in ClinVar:

ClinVar aggregate classification (germline): Uncertain significance. Review status: criteria provided, multiple submitters, no conflicts (2 of 4 stars). 2 submissions from 2 submitters: Uncertain significance (2). Last evaluated 2024-05-02.

Allele frequency attached by ClinVar (database versions not stated): ExAC 0.00002; gnomAD exomes 0.00008 and 0.00005; TOPMed 0.00002; gnomAD 0.00001.
gnomAD v4.1: 114 of 1,613,824 alleles (0.0071%); highest among the groups gnomAD compares: Middle Eastern, 0.033%; 2 homozygotes.

Submissions (2):

Labcorp Genetics (formerly Invitae), Labcorp
Classification: Uncertain significance. Last evaluated: 2024-05-02. Review status: criteria provided, single submitter. Criteria: Invitae Variant Classification Sherloc (09022015). Collection method: clinical testing. Allele origin: germline.
Comment: This sequence change replaces arginine, which is basic and polar, with tryptophan, which is neutral and slightly polar, at codon 525 of the ELP1 protein (p.Arg525Trp). This variant is present in population databases (rs766737737, gnomAD 0.01%), including at least one homozygous and/or hemizygous individual. This variant has not been reported in the literature in individuals affected with ELP1-related conditions. ClinVar contains an entry for this variant (Variation ID: 571764). Advanced modeling of protein sequence and biophysical properties (such as structural, functional, and spatial information, amino acid conservation, physicochemical variation, residue mobility, and thermodynamic stability) performed at Invitae indicates that this missense variant is not expected to disrupt ELP1 protein function with a negative predictive value of 80%. In summary, the available evidence is currently insufficient to determine the role of this variant in disease. Therefore, it has been classified as a Variant of Uncertain Significance.

Ambry Genetics
Classification: Uncertain significance. Last evaluated: 2020-08-18. Review status: criteria provided, single submitter. Criteria: Ambry Variant Classification Scheme 2023. Collection method: clinical testing. Allele origin: germline.
Comment: The p.R525W variant (also known as c.1573C>T), located in coding exon 13 of the IKBKAP gene, results from a C to T substitution at nucleotide position 1573. The arginine at codon 525 is replaced by tryptophan, an amino acid with dissimilar properties. This amino acid position is poorly conserved in available vertebrate species. In addition, this alteration is predicted to be tolerated by in silico analysis. Since supporting evidence is limited at this time, the clinical significance of this alteration remains unclear.

NM_003640.5(ELP1):c.1573C>T (p.Arg525Trp)

Gene: ELP1 (elongator acetyltransferase complex subunit 1; minus strand). Cytogenetic location: 9q31.3.
Variant type: single nucleotide variant.
Coding change: c.1573C>T on transcript NM_003640.5 (MANE Select); coding-DNA position 1573, C replaced by T.
Protein change: p.Arg525Trp; replaces arginine 525 with tryptophan.
Molecular consequence: missense variant.
Genome position (GRCh38, 1-based): chr9:108,906,373, G>A on the plus strand (C>T on the coding strand, the complement: ELP1 is on the minus strand). VCF-style: chr9-108906373-G-A. GRCh37 (hg19) VCF-style: chr9-111668653-G-A.
Other names: c.1573C>T (LRG_251t1); c.1231C>T, p.Arg411Trp (NM_001318360.2); c.526C>T, p.Arg176Trp (NM_001330749.2); short protein forms R525W, R176W, R411W.
Identifiers: ClinVar variation 571764 (VCV000571764.8), dbSNP rs766737737, ClinGen allele CA5174974.